The following is an entry in ClinVar:

NM_206933.4(USH2A):c.6926G>T (p.Cys2309Phe)

Gene: USH2A (usherin; minus strand). Cytogenetic location: 1q41.
Variant type: single nucleotide variant.
Coding change: c.6926G>T on transcript NM_206933.4 (MANE Select); coding-DNA position 6926, G replaced by T.
Protein change: p.Cys2309Phe; replaces cysteine 2309 with phenylalanine.
Molecular consequence: missense variant.
Genome position (GRCh38, 1-based): chr1:215,970,656, C>A on the plus strand (G>T on the coding strand, the complement: USH2A is on the minus strand). VCF-style: chr1-215970656-C-A. GRCh37 (hg19) VCF-style: chr1-216143998-C-A.
Other names: short protein forms C2309F.
Identifiers: ClinVar variation 560524 (VCV000560524.8), dbSNP rs748983904, ClinGen allele CA1395000.

ClinVar aggregate classification (germline): Pathogenic/Likely pathogenic. Review status: criteria provided, multiple submitters, no conflicts (2 of 4 stars). 5 submissions from 5 submitters: Pathogenic (2); Likely pathogenic (2). 1 of the submissions does not count toward it. Last evaluated 2025-12-24.

Conditions:
Retinal dystrophy. Also called: Inherited retinal dystrophy. Identifiers: Orphanet 71862, MedGen C0854723, MeSH D058499, MONDO:0019118, HP:0000556.
Retinitis pigmentosa 39 (RP39). Identifiers: Orphanet 791, MedGen C3151138, MONDO:0013436, OMIM 613809.
Usher syndrome type 2A. Also called: RETINAL DISEASE IN USHER SYNDROME TYPE IIA, MODIFIER OF; USHER SYNDROME, TYPE IIA. Identifiers: Orphanet 231178, Orphanet 886, MedGen C1848634, MONDO:0010169, OMIM 276901.

Allele frequency attached by ClinVar (database versions not stated): gnomAD exomes 0.00001; ExAC 0.00002.
gnomAD v4.1: 4 of 1,613,650 alleles (0.00025%); highest among the groups gnomAD compares: South Asian, 0.0033%; no homozygotes.

Submissions (5):

Natera, Inc.
Classification: Likely pathogenic for Usher syndrome type 2A. Last evaluated: 2025-12-24. Review status: criteria provided, single submitter. Criteria: Natera Variant Classification Schema (03/2026). Collection method: clinical testing. Allele origin: germline.
Comment: The c.6926G>T variant in USH2A is a missense variant predicted to cause substitution of cysteine to phenylalanine at amino acid 2309. This variant is rare in the general population with a frequency below the threshold expected for the associated phenotype(s). This variant has been observed in one or more individuals affected with the associated recessive disease, as either homozygous or compound heterozygous with a second variant (PMID: 32531858, 27460420, 39462066, 34948090). Computational prediction algorithms indicate this variant is likely to affect gene or protein function. Given the available evidence, this variant is classified as Likely Pathogenic.

Labcorp Genetics (formerly Invitae), Labcorp
Classification: Pathogenic. Last evaluated: 2022-11-29. Review status: criteria provided, single submitter. Criteria: Invitae Variant Classification Sherloc (09022015). Collection method: clinical testing. Allele origin: germline.
Comment: This sequence change replaces cysteine, which is neutral and slightly polar, with phenylalanine, which is neutral and non-polar, at codon 2309 of the USH2A protein (p.Cys2309Phe). This variant is present in population databases (rs748983904, gnomAD 0.01%). This missense change has been observed in individual(s) with retinitis pigmentosa and/or Usher syndrome (PMID: 23591405, 26927203). ClinVar contains an entry for this variant (Variation ID: 560524). Advanced modeling of protein sequence and biophysical properties (such as structural, functional, and spatial information, amino acid conservation, physicochemical variation, residue mobility, and thermodynamic stability) performed at Invitae indicates that this missense variant is expected to disrupt USH2A protein function. This variant disrupts the p.Cys2309 amino acid residue in USH2A. Other variant(s) that disrupt this residue have been observed in individuals with USH2A-related conditions (PMID: 23591405, 24265693, 26927203), which suggests that this may be a clinically significant amino acid residue. For these reasons, this variant has been classified as Pathogenic.

Institute of Human Genetics, Univ. Regensburg, Univ. Regensburg
Classification: Likely pathogenic for Retinal dystrophy. Last evaluated: 2019-01-01. Review status: criteria provided, single submitter. Criteria: ACMG Guidelines, 2015. Collection method: clinical testing. Allele origin: germline. Affected: yes.

Institute of Human Genetics, University of Leipzig Medical Center
Classification: Pathogenic for Retinitis pigmentosa 39. Last evaluated: 2019-01-01. Review status: criteria provided, single submitter. Criteria: ACMG Guidelines, 2015. Collection method: clinical testing. Allele origin: unknown. Affected: yes.

Joint Genome Diagnostic Labs from Nijmegen and Maastricht, Radboudumc and MUMC+
Classification: Uncertain significance for Retinitis pigmentosa 39. Last evaluated: 2016-09-01. Review status: flagged submission. Collection method: clinical testing. Allele origin: unknown. Affected: yes. Observed: 1 variant allele. Not counted in ClinVar's aggregate classification.
ClinVar note: Reason: Older and outlier claim with insufficient supporting evidence

Literature cited by the submitters: PubMed 32531858 (cited by Natera, Inc. and Institute of Human Genetics, Univ. Regensburg, Univ. Regensburg); PubMed 27460420 (cited by Natera, Inc.); PubMed 39462066 (cited by Natera, Inc.); PubMed 34948090 (cited by Natera, Inc. and Institute of Human Genetics, Univ. Regensburg, Univ. Regensburg); PubMed 23591405 (cited by Labcorp Genetics (formerly Invitae), Labcorp and Institute of Human Genetics, Univ. Regensburg, Univ. Regensburg); PubMed 26927203 (cited by Labcorp Genetics (formerly Invitae), Labcorp and Institute of Human Genetics, Univ. Regensburg, Univ. Regensburg); PubMed 24265693 (cited by Labcorp Genetics (formerly Invitae), Labcorp); PubMed 31964843 (cited by Institute of Human Genetics, Univ. Regensburg, Univ. Regensburg).